The following is an entry in ClinVar:

ClinVar aggregate classification (germline): Uncertain significance (1 of 4 stars; one submission).

Conditions:
Carnitine palmitoyltransferase II deficiency. Also called: Carnitine Palmitoyltransferase 2 Deficiency. Identifiers: Orphanet 157, MedGen C0342790, MONDO:0015515.

Allele frequency attached by ClinVar (database versions not stated): gnomAD 0.00001.

Submission:

Labcorp Genetics (formerly Invitae), Labcorp
Classification: Uncertain significance for Carnitine palmitoyltransferase II deficiency. Last evaluated: 2022-07-24. Review status: criteria provided, single submitter. Criteria: Invitae Variant Classification Sherloc (09022015). Collection method: clinical testing. Allele origin: germline.
Comment: This sequence change replaces aspartic acid, which is acidic and polar, with asparagine, which is neutral and polar, at codon 407 of the CPT2 protein (p.Asp407Asn). In summary, the available evidence is currently insufficient to determine the role of this variant in disease. Therefore, it has been classified as a Variant of Uncertain Significance. Advanced modeling of protein sequence and biophysical properties (such as structural, functional, and spatial information, amino acid conservation, physicochemical variation, residue mobility, and thermodynamic stability) performed at Invitae indicates that this missense variant is not expected to disrupt CPT2 protein function. This variant has not been reported in the literature in individuals affected with CPT2-related conditions. This variant is not present in population databases (gnomAD no frequency).

NM_000098.3(CPT2):c.1219G>A (p.Asp407Asn)

Gene: CPT2 (carnitine palmitoyltransferase 2; plus strand). Cytogenetic location: 1p32.3.
Variant type: single nucleotide variant.
Coding change: c.1219G>A on transcript NM_000098.3 (MANE Select); coding-DNA position 1219, G replaced by A.
Protein change: p.Asp407Asn; replaces aspartic acid 407 with asparagine.
Molecular consequence: missense variant.
Genome position (GRCh38, 1-based): chr1:53,210,893, G>A. VCF-style: chr1-53210893-G-A. GRCh37 (hg19) VCF-style: chr1-53676565-G-A.
Other names: c.1219G>A, p.Asp407Asn (NM_001330589.2); short protein forms D407N.
Identifiers: ClinVar variation 1902531 (VCV001902531.5), dbSNP rs1645421336, ClinGen allele CA340394770.